The following is an entry in ClinVar:

NM_019594.4(LRRC8A):c.1702C>T (p.His568Tyr)

Gene: LRRC8A (leucine rich repeat containing 8 VRAC subunit A; plus strand). Cytogenetic location: 9q34.11.
Variant type: single nucleotide variant.
Coding change: c.1702C>T on transcript NM_019594.4 (MANE Select); coding-DNA position 1702, C replaced by T.
Protein change: p.His568Tyr; replaces histidine 568 with tyrosine.
Molecular consequence: missense variant.
Genome position (GRCh38, 1-based): chr9:128,908,866, C>T. VCF-style: chr9-128908866-C-T. GRCh37 (hg19) VCF-style: chr9-131671145-C-T.
Other names: c.1702C>T, p.His568Tyr (NM_001127244.2, NM_001127245.2); short protein forms H568Y.
Identifiers: ClinVar variation 2002300 (VCV002002300.4), dbSNP rs2491880811, ClinGen allele CA375083901.
Genomic context (GRCh38, chr9:128,908,866, plus strand): 5'-GTGCTGCGGCTCAAGAGCAACCTAAGCAAGCTGCCACAGGTGGTCACAGATGTGGGCGTG[C>T]ACCTGCAGAAGCTGTCCATCAACAATGAGGGCACCAAGCTCATCGTCCTCAACAGCCTCA-3'
Protein context (NP_062540.2, residues 558-578): LPQVVTDVGV[His568Tyr]LQKLSINNEG

ClinVar aggregate classification (germline): Uncertain significance (1 of 4 stars; one submission).

Submission:

Labcorp Genetics (formerly Invitae), Labcorp
Classification: Uncertain significance. Last evaluated: 2022-06-22. Review status: criteria provided, single submitter. Criteria: Invitae Variant Classification Sherloc (09022015). Collection method: clinical testing. Allele origin: germline.
Comment: This sequence change replaces histidine, which is basic and polar, with tyrosine, which is neutral and polar, at codon 568 of the LRRC8A protein (p.His568Tyr). In summary, the available evidence is currently insufficient to determine the role of this variant in disease. Therefore, it has been classified as a Variant of Uncertain Significance. Algorithms developed to predict the effect of missense changes on protein structure and function (SIFT, PolyPhen-2, Align-GVGD) all suggest that this variant is likely to be disruptive. This variant has not been reported in the literature in individuals affected with LRRC8A-related conditions. This variant is not present in population databases (gnomAD no frequency).